The following is an entry in ClinVar:

ClinVar aggregate classification (germline): Pathogenic (1 of 4 stars; one submission).

Conditions:
Tumor predisposition syndrome 3 (TPDS3). Also called: Glioma susceptibility 9; Melanoma, cutaneous malignant, susceptibility to, 10; LONG TELOMERE SYNDROME, POT1-RELATED; POT1 Tumor Predisposition. Identifiers: Orphanet 618, MedGen C4014476, MONDO:0014368, OMIM 615848.

Submission:

Labcorp Genetics (formerly Invitae), Labcorp
Classification: Pathogenic for Tumor predisposition syndrome 3. Last evaluated: 2023-08-14. Review status: criteria provided, single submitter. Criteria: Invitae Variant Classification Sherloc (09022015). Collection method: clinical testing. Allele origin: germline.
Comment: For these reasons, this variant has been classified as Pathogenic. This sequence change creates a premature translational stop signal (p.Asn124Aspfs*3) in the POT1 gene. It is expected to result in an absent or disrupted protein product. Loss-of-function variants in POT1 are known to be pathogenic (PMID: 32155570). This variant is not present in population databases (gnomAD no frequency). This variant has not been reported in the literature in individuals affected with POT1-related conditions.

Literature cited by the submitters: PubMed 32155570.

NM_015450.3(POT1):c.312_369dup (p.Asn124delinsAspValTer)

Gene: POT1 (protection of telomeres 1; minus strand). Cytogenetic location: 7q31.33.
Variant type: Duplication.
Coding change: c.312_369dup on transcript NM_015450.3 (MANE Select); coding-DNA positions 312 to 369, 58 bases duplicated.
Protein change: p.Asn124delinsAspValTer.
Molecular consequence: nonsense. On other transcripts: 5 prime UTR variant (1), non-coding transcript variant (3).
Genome position (GRCh38, 1-based): chr7:124,863,527-124,863,584, 58 bases duplicated. GRCh37 (hg19): chr7:124,503,584-124,503,641.
Other names: c.-82_-25dup (NM_001042594.2).
Identifiers: ClinVar variation 2752470 (VCV002752470.3), dbSNP rs2485480756, ClinGen allele CA2697557612.